The following is an entry in ClinVar:

NM_003743.5(NCOA1):c.1841A>G (p.His614Arg)

Gene: NCOA1 (nuclear receptor coactivator 1; plus strand). Cytogenetic location: 2p23.3.
Variant type: single nucleotide variant.
Coding change: c.1841A>G on transcript NM_003743.5 (MANE Select); coding-DNA position 1841, A replaced by G.
Protein change: p.His614Arg; replaces histidine 614 with arginine.
Molecular consequence: missense variant.
Genome position (GRCh38, 1-based): chr2:24,707,311, A>G. VCF-style: chr2-24707311-A-G. GRCh37 (hg19) VCF-style: chr2-24930180-A-G.
Other names: c.1841A>G, p.His614Arg (NM_001362950.1, NM_001362952.1, NM_001362954.1 and 3 more transcripts); short protein forms H614R.
Identifiers: ClinVar variation 3345587 (VCV003345587.1).

ClinVar aggregate classification (germline): Uncertain significance (0 of 4 stars; one submission).

Conditions:
NCOA1-related disorder. Also called: NCOA1-related condition.

gnomAD v4.1: 3 of 1,614,254 alleles (0.00019%); highest among the groups gnomAD compares: Admixed American, 0.0017%; no homozygotes.

Submission:

PreventionGenetics, part of Exact Sciences
Classification: Uncertain significance for NCOA1-related condition. Last evaluated: 2024-07-22. Review status: no assertion criteria provided. Collection method: clinical testing. Allele origin: germline.
Comment: The NCOA1 c.1841A>G variant is predicted to result in the amino acid substitution p.His614Arg. To our knowledge, this variant has not been reported in the literature. This variant is reported in 0.0058% of alleles in individuals of Latino descent in gnomAD. At this time, the clinical significance of this variant is uncertain due to the absence of conclusive functional and genetic evidence.